The following is an entry in ClinVar:

ClinVar aggregate classification (germline): Benign/Likely benign. Review status: criteria provided, multiple submitters, no conflicts (2 of 4 stars). 4 submissions from 4 submitters: Benign (1); Likely benign (3). Last evaluated 2025-01-24.

Conditions:
Hereditary nonpolyposis colorectal neoplasms. Identifiers: MedGen C0009405, MeSH D003123.
Hereditary cancer-predisposing syndrome. Also called: Neoplastic Syndromes, Hereditary; Tumor predisposition; Hereditary Cancer Syndrome; Hereditary neoplastic syndrome. Identifiers: Orphanet 140162, MedGen C0027672, MeSH D009386, MONDO:0015356.
Lynch syndrome 4 (LYNCH4). Also called: Colorectal cancer, hereditary nonpolyposis, type 4; Hereditary non-polyposis colorectal cancer, type 4. Identifiers: Orphanet 144, MedGen C1838333, MONDO:0013699, OMIM 614337. Disease mechanism: loss of function.

Allele frequency attached by ClinVar (database versions not stated): TOPMed 0.00002.
gnomAD v4.1: 5 of 1,562,592 alleles (0.00032%); highest among the groups gnomAD compares: African/African-American, 0.0054%; no homozygotes.

Submissions (4):

Myriad Genetics, Inc.
Classification: Benign for Lynch syndrome 4. Last evaluated: 2025-01-24. Review status: criteria provided, single submitter. Criteria: Myriad Autosomal Dominant, Autosomal Recessive and X-Linked Classification Criteria (2023). Collection method: clinical testing. Allele origin: unknown.
Comment: This variant is considered benign. This variant is a silent/synonymous amino acid change and it is not expected to impact splicing.

Labcorp Genetics (formerly Invitae), Labcorp
Classification: Likely benign for Hereditary nonpolyposis colorectal neoplasms. Last evaluated: 2023-06-05. Review status: criteria provided, single submitter. Criteria: Invitae Variant Classification Sherloc (09022015). Collection method: clinical testing. Allele origin: germline.

Genetic Services Laboratory, University of Chicago
Classification: Likely benign. Last evaluated: 2021-08-03. Review status: criteria provided, single submitter. Criteria: ACMG Guidelines, 2015. Collection method: clinical testing. Allele origin: germline. Affected: no.

Ambry Genetics
Classification: Likely benign for Hereditary cancer-predisposing syndrome. Last evaluated: 2015-08-22. Review status: criteria provided, single submitter. Criteria: Ambry Variant Classification Scheme 2023. Collection method: clinical testing. Allele origin: germline.

NM_000535.7(PMS2):c.348A>G (p.Ala116=)

Gene: PMS2 (PMS1 homolog 2, mismatch repair system component; minus strand). Cytogenetic location: 7p22.1.
Variant type: single nucleotide variant.
Coding change: c.348A>G on transcript NM_000535.7 (MANE Select); coding-DNA position 348, A replaced by G.
Protein change: p.Ala116=; no amino-acid change (alanine 116 retained).
Molecular consequence: synonymous variant. On other transcripts: 5 prime UTR variant (9), non-coding transcript variant (1), intron variant (2).
Genome position (GRCh38, 1-based): chr7:6,003,695, T>C on the plus strand (A>G on the coding strand, the complement: PMS2 is on the minus strand). VCF-style: chr7-6003695-T-C. GRCh37 (hg19) VCF-style: chr7-6043326-T-C.
Other names: c.-58A>G (NM_001322003.2, NM_001322004.2, NM_001322005.2 and 3 more transcripts); c.348A>G, p.Ala116= (NM_001322006.2, NM_001322014.2); c.-537A>G (NM_001322011.2, NM_001322012.2); c.-137A>G (NM_001322015.2); c.35+277A>G (NM_001322008.2, NM_001322007.2).
Identifiers: ClinVar variation 525889 (VCV000525889.17), dbSNP rs763057312, ClinGen allele CA049292.